The following is an entry in ClinVar:

NM_003070.5(SMARCA2):c.1692+4C>G

Gene: SMARCA2 (SWI/SNF related BAF chromatin remodeling complex subunit ATPase 2; plus strand). Cytogenetic location: 9p24.3.
Variant type: single nucleotide variant.
Coding change: c.1692+4C>G on transcript NM_003070.5 (MANE Select); 4 bases into the intron after coding-DNA position 1692, C replaced by G.
Molecular consequence: intron variant.
Genome position (GRCh38, 1-based): chr9:2,060,990, C>G. VCF-style: chr9-2060990-C-G. GRCh37 (hg19) VCF-style: chr9-2060990-C-G.
Other names: c.1692+4C>G (NM_139045.4, NM_001289397.2, NM_001289396.2).
Identifiers: ClinVar variation 2783981 (VCV002783981.3), dbSNP rs369042406, ClinGen allele CA4963220.

ClinVar aggregate classification (germline): Uncertain significance (1 of 4 stars; one submission).

Allele frequency attached by ClinVar (database versions not stated): ExAC 0.00004.
gnomAD v4.1: 14 of 1,612,000 alleles (0.00087%); highest among the groups gnomAD compares: East Asian, 0.018%; no homozygotes.

Submission:

Labcorp Genetics (formerly Invitae), Labcorp
Classification: Uncertain significance. Last evaluated: 2024-10-28. Review status: criteria provided, single submitter. Criteria: Invitae Variant Classification Sherloc (09022015). Collection method: clinical testing. Allele origin: germline.
Comment: This sequence change falls in intron 9 of the SMARCA2 gene. It does not directly change the encoded amino acid sequence of the SMARCA2 protein. It affects a nucleotide within the consensus splice site. This variant is present in population databases (rs369042406, gnomAD 0.04%). This variant has not been reported in the literature in individuals affected with SMARCA2-related conditions. Variants that disrupt the consensus splice site are a relatively common cause of aberrant splicing (PMID: 17576681, 9536098). Algorithms developed to predict the effect of sequence changes on RNA splicing suggest that this variant is not likely to affect RNA splicing. In summary, the available evidence is currently insufficient to determine the role of this variant in disease. Therefore, it has been classified as a Variant of Uncertain Significance.

Literature cited by the submitters: PubMed 17576681; PubMed 9536098.